The following is an entry in ClinVar:

NM_014467.3(SRPX2):c.554G>T (p.Arg185Leu)

Gene: SRPX2 (sushi repeat containing protein X-linked 2; plus strand). Cytogenetic location: Xq22.1.
Variant type: single nucleotide variant.
Coding change: c.554G>T on transcript NM_014467.3 (MANE Select); coding-DNA position 554, G replaced by T.
Protein change: p.Arg185Leu; replaces arginine 185 with leucine.
Molecular consequence: missense variant.
Genome position (GRCh38, 1-based): chrX:100,665,264, G>T. VCF-style: chrX-100665264-G-T. GRCh37 (hg19) VCF-style: chrX-99920261-G-T.
Other names: short protein forms R185L.
Identifiers: ClinVar variation 1022758 (VCV001022758.10), dbSNP rs768629864, ClinGen allele CA10469529.

ClinVar aggregate classification (germline): Uncertain significance. Review status: criteria provided, multiple submitters, no conflicts (2 of 4 stars). 2 submissions from 2 submitters: Uncertain significance (2). Last evaluated 2021-04-30.

Conditions:
Rolandic epilepsy, impaired intellectual development, and speech dyspraxia, X-linked. Also called: Rolandic epilepsy, impaired intellectual development, and speech dyspraxia; Rolandic epilepsy, intellectual disability, and speech dyspraxia, X-linked. Identifiers: MedGen C1845070, MONDO:0010388, OMIM 300643.

Allele frequency attached by ClinVar (database versions not stated): gnomAD 0.00002.
gnomAD v4.1: 5 of 1,208,527 alleles (0.00041%); highest among the groups gnomAD compares: Admixed American, 0.0044%; no homozygotes.

Submissions (2):

New York Genome Center
Classification: Uncertain significance for Rolandic epilepsy, impaired intellectual development, and speech dyspraxia, X-linked. Last evaluated: 2021-04-30. Review status: criteria provided, single submitter. Criteria: NYGC Assertion Criteria 2020. Collection method: clinical testing. Allele origin: germline. Observed: 1 heterozygote. Study: CSER-NYCKidSeq.

Labcorp Genetics (formerly Invitae), Labcorp
Classification: Uncertain significance for Rolandic epilepsy, impaired intellectual development, and speech dyspraxia, X-linked. Last evaluated: 2020-01-11. Review status: criteria provided, single submitter. Criteria: Invitae Variant Classification Sherloc (09022015). Collection method: clinical testing. Allele origin: germline.
Comment: In summary, the available evidence is currently insufficient to determine the role of this variant in disease. Therefore, it has been classified as a Variant of Uncertain Significance. Algorithms developed to predict the effect of missense changes on protein structure and function are either unavailable or do not agree on the potential impact of this missense change (SIFT: "Deleterious"; PolyPhen-2: "Benign"; Align-GVGD: "Class C25"). This variant has not been reported in the literature in individuals with SRPX2-related conditions. This variant is present in population databases (rs768629864, ExAC 0.01%). This sequence change replaces arginine with leucine at codon 185 of the SRPX2 protein (p.Arg185Leu). The arginine residue is highly conserved and there is a moderate physicochemical difference between arginine and leucine.